The following is an entry in ClinVar:

ClinVar aggregate classification (germline): Benign/Likely benign. Review status: criteria provided, multiple submitters, no conflicts (2 of 4 stars). 3 submissions from 3 submitters: Benign (2); Likely benign (1). Last evaluated 2026-03-01.

Allele frequency attached by ClinVar (database versions not stated): 1000 Genomes Project 30x 0.00094; 1000 Genomes Project 0.00120; TOPMed 0.00434; ExAC 0.00481; gnomAD 0.00514 and 0.00529; ESP Exome Variant Server 0.00555.
gnomAD v4.1: 11,005 of 1,613,480 alleles (0.68%); highest among the groups gnomAD compares: Non-Finnish European, 0.82%; 42 homozygotes.

Submissions (3):

CeGaT Center for Human Genetics Tuebingen
Classification: Likely benign. Last evaluated: 2026-03-01. Review status: criteria provided, single submitter. Criteria: CeGaT Center For Human Genetics Tuebingen Variant Classification Criteria Version 2. Collection method: clinical testing. Allele origin: germline. Affected: yes. Observed: 5 variant alleles.
Comment: MLXIPL: BP4, BP7, BS2

Labcorp Genetics (formerly Invitae), Labcorp
Classification: Benign. Last evaluated: 2019-12-31. Review status: criteria provided, single submitter. Criteria: Invitae Variant Classification Sherloc (09022015). Collection method: clinical testing. Allele origin: germline.

Breakthrough Genomics
Classification: Benign. Review status: criteria provided, single submitter. Criteria: ACMG Guidelines, 2015. Collection method: not provided. Allele origin: germline. Inheritance: Unknown mechanism. Affected: yes.

NM_032951.3(MLXIPL):c.444C>G (p.Pro148=)

Gene: MLXIPL (MLX interacting protein like; minus strand). Cytogenetic location: 7q11.23.
Variant type: single nucleotide variant.
Coding change: c.444C>G on transcript NM_032951.3 (MANE Select); coding-DNA position 444, C replaced by G.
Protein change: p.Pro148=; no amino-acid change (proline 148 retained).
Molecular consequence: synonymous variant. On other transcripts: non-coding transcript variant (1).
Genome position (GRCh38, 1-based): chr7:73,607,629, G>C on the plus strand (C>G on the coding strand, the complement: MLXIPL is on the minus strand). VCF-style: chr7-73607629-G-C. GRCh37 (hg19) VCF-style: chr7-73021959-G-C.
Other names: c.444C>G, p.Pro148= (NM_032952.3, NM_032953.3, NM_032954.3).
Identifiers: ClinVar variation 720847 (VCV000720847.29), dbSNP rs72649027, ClinGen allele CA4289561.